The following is an entry in ClinVar:

NM_001148.6(ANK2):c.11548G>A (p.Glu3850Lys)

Gene: ANK2 (ankyrin 2; plus strand). Cytogenetic location: 4q26.
Variant type: single nucleotide variant.
Coding change: c.11548G>A on transcript NM_001148.6 (MANE Select); coding-DNA position 11548, G replaced by A.
Protein change: p.Glu3850Lys; replaces glutamic acid 3850 with lysine.
Molecular consequence: missense variant.
Genome position (GRCh38, 1-based): chr4:113,369,743, G>A. VCF-style: chr4-113369743-G-A. GRCh37 (hg19) VCF-style: chr4-114290899-G-A.
Other names: p.E3850K:GAG>AAG; c.5266G>A, p.Glu1756Lys (NM_001127493.3); c.5305G>A, p.Glu1769Lys (NM_001354225.2); c.5194G>A, p.Glu1732Lys (NM_001354228.2, NM_001354258.2); c.5272G>A, p.Glu1758Lys (NM_001354230.2); c.5335G>A, p.Glu1779Lys (NM_001354231.2, NM_001354242.2); c.5329G>A, p.Glu1777Lys (NM_001354232.2); c.5290G>A, p.Glu1764Lys (NM_001354235.2, NM_001354246.2, NM_001354265.2); and 36 more; short protein forms E1756K, E3850K, E1687K, E1690K, E1694K, E1703K, E1731K, E1743K.
Identifiers: ClinVar variation 190608 (VCV000190608.8), dbSNP rs143985655, ClinGen allele CA301086.

ClinVar aggregate classification (germline): Uncertain significance. Review status: criteria provided, multiple submitters, no conflicts (2 of 4 stars). 3 submissions from 3 submitters: Uncertain significance (3). Last evaluated 2024-11-10.

Conditions:
Cardiovascular phenotype. Identifiers: MedGen CN230736.
Long QT syndrome (LQTS). Identifiers: MedGen C0023976, MeSH D008133, MONDO:0002442. Disease mechanism: loss of function. Inheritance: Various modes of inheritance.

Allele frequency attached by ClinVar (database versions not stated): gnomAD exomes below 0.00001; ExAC 0.00001; ESP Exome Variant Server 0.00008.
gnomAD v4.1: 6 of 1,614,100 alleles (0.00037%); highest among the groups gnomAD compares: Non-Finnish European, 0.00042%; no homozygotes.

Submissions (3):

Ambry Genetics
Classification: Uncertain significance for Cardiovascular phenotype. Last evaluated: 2024-11-10. Review status: criteria provided, single submitter. Criteria: Ambry Variant Classification Scheme 2023. Collection method: clinical testing. Allele origin: germline.
Comment: The p.E3850K variant (also known as c.11548G>A), located in coding exon 43 of the ANK2 gene, results from a G to A substitution at nucleotide position 11548. The glutamic acid at codon 3850 is replaced by lysine, an amino acid with similar properties. This amino acid position is highly conserved in available vertebrate species. In addition, this alteration is predicted to be deleterious by in silico analysis. Based on the available evidence, the clinical significance of this variant remains unclear.

Labcorp Genetics (formerly Invitae), Labcorp
Classification: Uncertain significance for Long QT syndrome. Last evaluated: 2021-07-31. Review status: criteria provided, single submitter. Criteria: Invitae Variant Classification Sherloc (09022015). Collection method: clinical testing. Allele origin: germline.
Comment: In summary, the available evidence is currently insufficient to determine the role of this variant in disease. Therefore, it has been classified as a Variant of Uncertain Significance. Algorithms developed to predict the effect of missense changes on protein structure and function are either unavailable or do not agree on the potential impact of this missense change (SIFT: "Tolerated"; PolyPhen-2: "Probably Damaging"; Align-GVGD: "Class C0"). ClinVar contains an entry for this variant (Variation ID: 190608). This variant has not been reported in the literature in individuals affected with ANK2-related conditions. This variant is present in population databases (rs143985655, ExAC 0.002%). This sequence change replaces glutamic acid with lysine at codon 3850 of the ANK2 protein (p.Glu3850Lys). The glutamic acid residue is moderately conserved and there is a small physicochemical difference between glutamic acid and lysine.

GeneDx
Classification: Uncertain significance. Last evaluated: 2014-10-03. Review status: criteria provided, single submitter. Criteria: GeneDx Variant Classification (06012015). Collection method: clinical testing. Allele origin: germline. Affected: yes.
Comment: p.Glu3850Lys (GAG>AAG): c.11548 G>A in exon 43 of the ANK2 gene (NM_001148.4). The E3850K variant has not been published as a mutation, nor has it been reported as a benign polymorphism to our knowledge. The E3850K variant was not observed with any significant frequency in approximately 6,500 individuals of European and African American ancestry in the NHLBI Exome Sequencing Project, indicating it is not a common benign variant in these populations. The E3850K variant is a non-conservative amino acid substitution, which is likely to impact secondary protein structure as these residues differ in polarity, charge, size and/or other properties. This substitution occurs at a position that is conserved across species. A missense mutation in a nearby residue (T3844N) has been reported in association with LQTS, supporting the functional importance of this region of the protein. Nevertheless, in silico analysis is inconsistent in its predictions as to whether or not the variant is damaging to the protein structure/function. Therefore, based on the currently available information, it is unclear whether this variant is a pathogenic mutation or a rare benign variant. The variant is found in ARRHYTHMIA panel(s).